The following is an entry in ClinVar:

ClinVar aggregate classification (germline): Uncertain significance (1 of 4 stars; one submission).

gnomAD v4.1: 2 of 1,612,528 alleles (0.00012%); highest among the groups gnomAD compares: Non-Finnish European, 0.00017%; no homozygotes.

Submission:

Labcorp Genetics (formerly Invitae), Labcorp
Classification: Uncertain significance. Last evaluated: 2024-04-10. Review status: criteria provided, single submitter. Criteria: Invitae Variant Classification Sherloc (09022015). Collection method: clinical testing. Allele origin: germline.
Comment: This sequence change replaces isoleucine, which is neutral and non-polar, with valine, which is neutral and non-polar, at codon 897 of the USP7 protein (p.Ile897Val). This variant is not present in population databases (gnomAD no frequency). This variant has not been reported in the literature in individuals affected with USP7-related conditions. An algorithm developed to predict the effect of missense changes on protein structure and function (PolyPhen-2) suggests that this variant is likely to be tolerated. In summary, the available evidence is currently insufficient to determine the role of this variant in disease. Therefore, it has been classified as a Variant of Uncertain Significance.

NM_003470.3(USP7):c.2689A>G (p.Ile897Val)

Gene: USP7 (ubiquitin specific peptidase 7; minus strand). Cytogenetic location: 16p13.2.
Variant type: single nucleotide variant.
Coding change: c.2689A>G on transcript NM_003470.3 (MANE Select); coding-DNA position 2689, A replaced by G.
Protein change: p.Ile897Val; replaces isoleucine 897 with valine.
Molecular consequence: missense variant. On other transcripts: non-coding transcript variant (1).
Genome position (GRCh38, 1-based): chr16:8,898,389, T>C on the plus strand (A>G on the coding strand, the complement: USP7 is on the minus strand). VCF-style: chr16-8898389-T-C. GRCh37 (hg19) VCF-style: chr16-8992246-T-C.
Other names: c.2641A>G, p.Ile881Val (NM_001286457.2); c.2392A>G, p.Ile798Val (NM_001286458.2); c.2515A>G, p.Ile839Val (NM_001321858.2); short protein forms I798V, I897V, I881V, I839V.
Identifiers: ClinVar variation 3632858 (VCV003632858.2).